The following is an entry in ClinVar:

ClinVar aggregate classification (germline): Uncertain significance (1 of 4 stars; one submission).

Conditions:
Peroxisome biogenesis disorder. Identifiers: Orphanet 79189, MedGen C1832200, MONDO:0019234. Disease mechanism: loss of function.

Submission:

Labcorp Genetics (formerly Invitae), Labcorp
Classification: Uncertain significance for Peroxisome biogenesis disorder. Last evaluated: 2021-08-06. Review status: criteria provided, single submitter. Criteria: Invitae Variant Classification Sherloc (09022015). Collection method: clinical testing. Allele origin: germline.
Comment: This sequence change replaces arginine with proline at codon 95 of the PEX6 protein (p.Arg95Pro). The arginine residue is weakly conserved and there is a moderate physicochemical difference between arginine and proline. The frequency data for this variant in the population databases is considered unreliable, as metrics indicate insufficient coverage at this position in the ExAC database. This variant has not been reported in the literature in individuals affected with PEX6-related conditions. Algorithms developed to predict the effect of missense changes on protein structure and function are either unavailable or do not agree on the potential impact of this missense change (SIFT: "Tolerated"; PolyPhen-2: "Probably Damaging"; Align-GVGD: "Class C0"). In summary, the available evidence is currently insufficient to determine the role of this variant in disease. Therefore, it has been classified as a Variant of Uncertain Significance.

NM_000287.4(PEX6):c.284G>C (p.Arg95Pro)

Gene: PEX6 (peroxisomal biogenesis factor 6; minus strand). Cytogenetic location: 6p21.1.
Variant type: single nucleotide variant.
Coding change: c.284G>C on transcript NM_000287.4 (MANE Select); coding-DNA position 284, G replaced by C.
Protein change: p.Arg95Pro; replaces arginine 95 with proline.
Molecular consequence: missense variant. On other transcripts: non-coding transcript variant (1).
Genome position (GRCh38, 1-based): chr6:42,978,867, C>G on the plus strand (G>C on the coding strand, the complement: PEX6 is on the minus strand). VCF-style: chr6-42978867-C-G. GRCh37 (hg19) VCF-style: chr6-42946605-C-G.
Other names: c.284G>C, p.Arg95Pro (NM_001316313.2); short protein forms R95P.
Identifiers: ClinVar variation 1355435 (VCV001355435.6), dbSNP rs2150240407, ClinGen allele CA364167380.